The following is an entry in ClinVar:

ClinVar aggregate classification (germline): Conflicting classifications of pathogenicity. Review status: criteria provided, conflicting classifications (1 of 4 stars). 5 submissions from 5 submitters: Uncertain significance (4); Likely benign (1). Last evaluated 2025-05-05.

Conditions:
Nephrolithiasis/nephrocalcinosis. Identifiers: MedGen CN580796.
Familial hypocalciuric hypercalcemia 1. Also called: Hypercalcemia, familial benign type 1. Identifiers: Orphanet 405, Orphanet 93372, MedGen C0342637, MONDO:0007791, OMIM 145980.
Neonatal severe primary hyperparathyroidism. Identifiers: Orphanet 417, MedGen C1832615, MONDO:0009397, OMIM 239200.
Epilepsy, idiopathic generalized, susceptibility to, 8. Identifiers: MedGen C2752062, MONDO:0013032, OMIM 612899.
Autosomal dominant hypocalcemia 1 (HYPOC1). Also called: HYPOCALCEMIA, FAMILIAL. Identifiers: MedGen C3715128, MONDO:0011013, OMIM 601198.
Familial hypocalciuric hypercalcemia (FHH). Also called: Familial benign hypercalcemia. Identifiers: Orphanet 405, MedGen C1809471, MONDO:0018458.

Allele frequency attached by ClinVar (database versions not stated): TOPMed below 0.00001; gnomAD 0.00001; gnomAD exomes 0.00001 and 0.00002; ExAC 0.00002.
gnomAD v4.1: 26 of 1,614,018 alleles (0.0016%); highest among the groups gnomAD compares: Non-Finnish European, 0.002%; no homozygotes.

Submissions (5):

Labcorp Genetics (formerly Invitae), Labcorp
Classification: Likely benign for Familial hypocalciuric hypercalcemia; Autosomal dominant hypocalcemia 1. Last evaluated: 2025-05-05. Review status: criteria provided, single submitter. Criteria: Invitae Variant Classification Sherloc (09022015). Collection method: clinical testing. Allele origin: germline.

Women's Health and Genetics/Laboratory Corporation of America, LabCorp
Classification: Uncertain significance. Last evaluated: 2025-01-08. Review status: criteria provided, single submitter. Criteria: LabCorp Variant Classification Summary - May 2015. Collection method: clinical testing. Allele origin: germline.
Comment: Variant summary: CASR c.921G>A (p.Met307Ile) results in a conservative amino acid change in the encoded protein sequence. Four of five in-silico tools predict a benign effect of the variant on protein function. The variant allele was found at a frequency of 1.2e-05 in 251142 control chromosomes. The available data on variant occurrences in the general population are insufficient to allow any conclusion about variant significance. To our knowledge, no occurrence of c.921G>A in individuals affected with Autosomal Dominant Hypocalcemia and no experimental evidence demonstrating its impact on protein function have been reported. ClinVar contains an entry for this variant (Variation ID: 823103). Based on the evidence outlined above, the variant was classified as uncertain significance.

GeneDx
Classification: Uncertain significance. Last evaluated: 2025-01-02. Review status: criteria provided, single submitter. Criteria: GeneDx Variant Classification Process June 2021. Collection method: clinical testing. Allele origin: germline. Affected: yes.
Comment: Not observed at significant frequency in large population cohorts (gnomAD); In silico analysis indicates that this missense variant does not alter protein structure/function; Has not been previously published as pathogenic or benign to our knowledge

Fulgent Genetics
Classification: Uncertain significance for Familial hypocalciuric hypercalcemia 1; Neonatal severe primary hyperparathyroidism; Autosomal dominant hypocalcemia 1; Epilepsy, idiopathic generalized, susceptibility to, 8. Last evaluated: 2024-05-01. Review status: criteria provided, single submitter. Criteria: ACMG Guidelines, 2015. Collection method: clinical testing. Allele origin: germline.

Ambry Genetics
Classification: Uncertain significance for Nephrolithiasis/nephrocalcinosis. Last evaluated: 2023-03-22. Review status: criteria provided, single submitter. Criteria: Ambry Variant Classification Scheme 2023. Collection method: clinical testing. Allele origin: germline.
Comment: The p.M307I variant (also known as c.921G>A), located in coding exon 3 of the CASR gene, results from a G to A substitution at nucleotide position 921. The methionine at codon 307 is replaced by isoleucine, an amino acid with highly similar properties. This amino acid position is not well conserved in available vertebrate species. In addition, the in silico prediction for this alteration is inconclusive. Since supporting evidence is limited at this time, the clinical significance of this alteration remains unclear.

NM_000388.4(CASR):c.921G>A (p.Met307Ile)

Gene: CASR (calcium sensing receptor; plus strand). Cytogenetic location: 3q21.1.
Variant type: single nucleotide variant.
Coding change: c.921G>A on transcript NM_000388.4 (MANE Select); coding-DNA position 921, G replaced by A.
Protein change: p.Met307Ile; replaces methionine 307 with isoleucine.
Molecular consequence: missense variant.
Genome position (GRCh38, 1-based): chr3:122,261,956, G>A. VCF-style: chr3-122261956-G-A. GRCh37 (hg19) VCF-style: chr3-121980803-G-A.
Other names: c.921G>A, p.Met307Ile (NM_001178065.2); short protein forms M307I.
Identifiers: ClinVar variation 823103 (VCV000823103.18), dbSNP rs751095642, ClinGen allele CA2569561.